The following is an entry in ClinVar:

ClinVar aggregate classification (germline): Likely pathogenic (1 of 4 stars; one submission).

Conditions:
Tuberous sclerosis 2 (TSC2). Identifiers: Orphanet 805, MedGen C1860707, MONDO:0013199, OMIM 613254.

Submission:

Labcorp Genetics (formerly Invitae), Labcorp
Classification: Likely pathogenic for Tuberous sclerosis 2. Last evaluated: 2023-05-23. Review status: criteria provided, single submitter. Criteria: Invitae Variant Classification Sherloc (09022015). Collection method: clinical testing. Allele origin: germline.
Comment: This sequence change replaces serine, which is neutral and polar, with arginine, which is basic and polar, at codon 601 of the TSC2 protein (p.Ser601Arg). This variant is not present in population databases (gnomAD no frequency). This missense change has been observed in individual(s) with tuberous sclerosis complex (PMID: 24271014; Invitae). Advanced modeling of protein sequence and biophysical properties (such as structural, functional, and spatial information, amino acid conservation, physicochemical variation, residue mobility, and thermodynamic stability) performed at Invitae indicates that this missense variant is not expected to disrupt TSC2 protein function. Algorithms developed to predict the effect of sequence changes on RNA splicing suggest that this variant may create or strengthen a splice site. In summary, the currently available evidence indicates that the variant is pathogenic, but additional data are needed to prove that conclusively. Therefore, this variant has been classified as Likely Pathogenic.

Literature cited by the submitters: PubMed 24271014.

NM_000548.5(TSC2):c.1803C>G (p.Ser601Arg)

Gene: TSC2 (TSC complex subunit 2; plus strand). Cytogenetic location: 16p13.3.
Variant type: single nucleotide variant.
Coding change: c.1803C>G on transcript NM_000548.5 (MANE Select); coding-DNA position 1803, C replaced by G.
Protein change: p.Ser601Arg; replaces serine 601 with arginine.
Molecular consequence: missense variant. On other transcripts: non-coding transcript variant (5).
Genome position (GRCh38, 1-based): chr16:2,070,542, C>G. VCF-style: chr16-2070542-C-G. GRCh37 (hg19) VCF-style: chr16-2120543-C-G.
Other names: c.1803C>G, p.Ser601Arg (NM_001077183.3, NM_001114382.3, NM_001363528.2 and 6 more transcripts); c.1692C>G, p.Ser564Arg (NM_001318827.2, NM_001406670.1, NM_001406678.1); c.1656C>G, p.Ser552Arg (NM_001318829.2, NM_001406679.1, NM_001406675.1 and 1 more transcripts); c.1203C>G, p.Ser401Arg (NM_001318831.2, NM_001406680.1, NM_001406682.1 and 6 more transcripts); c.1836C>G, p.Ser612Arg (NM_001318832.2); c.1341C>G, p.Ser447Arg (NM_001406681.1); c.201C>G, p.Ser67Arg (NM_001406698.1); c.1893C>G, p.Ser631Arg (NM_001406667.1, NM_001406668.1); and 3 more; short protein forms S401R, S552R, S631R, S601R, S67R, S153R, S582R, S447R.
Identifiers: ClinVar variation 2744117 (VCV002744117.3), dbSNP rs1044401463, ClinGen allele CA394272954.